The following is an entry in ClinVar:

NM_002294.3(LAMP2):c.94A>G (p.Asn32Asp)

Gene: LAMP2 (lysosome associated membrane protein 2; minus strand). Cytogenetic location: Xq24.
Variant type: single nucleotide variant.
Coding change: c.94A>G on transcript NM_002294.3 (MANE Select); coding-DNA position 94, A replaced by G.
Protein change: p.Asn32Asp; replaces asparagine 32 with aspartic acid.
Molecular consequence: missense variant.
Genome position (GRCh38, 1-based): chrX:120,456,740, T>C on the plus strand (A>G on the coding strand, the complement: LAMP2 is on the minus strand). VCF-style: chrX-120456740-T-C. GRCh37 (hg19) VCF-style: chrX-119590595-T-C.
Other names: c.94A>G, p.Asn32Asp (NM_001122606.1, NM_013995.2); short protein forms N32D.
Identifiers: ClinVar variation 1933298 (VCV001933298.5), dbSNP rs367625418, ClinGen allele CA335014097.

ClinVar aggregate classification (germline): Uncertain significance (1 of 4 stars; one submission).

Conditions:
Danon disease. Also called: GSD IIb; LYSOSOMAL GLYCOGEN STORAGE DISEASE WITHOUT ACID MALTASE DEFICIENCY; Glycogen Storage Disease Type IIb; PSEUDOGLYCOGENOSIS II; ANTOPOL DISEASE. Identifiers: Orphanet 34587, MedGen C0878677, MONDO:0010281, OMIM 300257.

Allele frequency attached by ClinVar (database versions not stated): TOPMed below 0.00001; gnomAD 0.00001; ESP Exome Variant Server 0.00009.
gnomAD v4.1: 1 of 1,171,350 alleles (0.000085%); highest among the groups gnomAD compares: Non-Finnish European, 0.00012%; no homozygotes.

Submission:

Labcorp Genetics (formerly Invitae), Labcorp
Classification: Uncertain significance for Danon disease. Last evaluated: 2025-10-02. Review status: criteria provided, single submitter. Criteria: Invitae Variant Classification Sherloc (09022015). Collection method: clinical testing. Allele origin: germline.
Comment: This sequence change replaces asparagine, which is neutral and polar, with aspartic acid, which is acidic and polar, at codon 32 of the LAMP2 protein (p.Asn32Asp). This variant is present in population databases (rs367625418, gnomAD no frequency). This variant has not been reported in the literature in individuals affected with LAMP2-related conditions. ClinVar contains an entry for this variant (Variation ID: 1933298). Invitae Evidence Modeling of protein sequence and biophysical properties (such as structural, functional, and spatial information, amino acid conservation, physicochemical variation, residue mobility, and thermodynamic stability) indicates that this missense variant is not expected to disrupt LAMP2 protein function with a negative predictive value of 80%. In summary, the available evidence is currently insufficient to determine the role of this variant in disease. Therefore, it has been classified as a Variant of Uncertain Significance.